The following is an entry in ClinVar:

NM_145068.4(TRPV3):c.364C>T (p.Arg122Cys)

Gene: TRPV3 (transient receptor potential cation channel subfamily V member 3; minus strand). Cytogenetic location: 17p13.2.
Variant type: single nucleotide variant.
Coding change: c.364C>T on transcript NM_145068.4 (MANE Select); coding-DNA position 364, C replaced by T.
Protein change: p.Arg122Cys; replaces arginine 122 with cysteine.
Molecular consequence: missense variant.
Genome position (GRCh38, 1-based): chr17:3,543,576, G>A on the plus strand (C>T on the coding strand, the complement: TRPV3 is on the minus strand). VCF-style: chr17-3543576-G-A. GRCh37 (hg19) VCF-style: chr17-3446870-G-A.
Other names: c.364C>T, p.Arg122Cys (NM_001258205.2); short protein forms R122C.
Identifiers: ClinVar variation 2892231 (VCV002892231.3), dbSNP rs760501970, ClinGen allele CA8289876.

ClinVar aggregate classification (germline): Uncertain significance (1 of 4 stars; one submission).

Allele frequency attached by ClinVar (database versions not stated): gnomAD 0.00001; gnomAD exomes 0.00001; ExAC 0.00002; TOPMed 0.00002.
gnomAD v4.1: 16 of 1,613,946 alleles (0.00099%); highest among the groups gnomAD compares: Middle Eastern, 0.016%; no homozygotes.

Submission:

Labcorp Genetics (formerly Invitae), Labcorp
Classification: Uncertain significance. Last evaluated: 2023-11-19. Review status: criteria provided, single submitter. Criteria: Invitae Variant Classification Sherloc (09022015). Collection method: clinical testing. Allele origin: germline.
Comment: This sequence change replaces arginine, which is basic and polar, with cysteine, which is neutral and slightly polar, at codon 122 of the TRPV3 protein (p.Arg122Cys). This variant is present in population databases (rs760501970, gnomAD 0.01%). This variant has not been reported in the literature in individuals affected with TRPV3-related conditions. Algorithms developed to predict the effect of missense changes on protein structure and function output the following: SIFT: "Not Available"; PolyPhen-2: "Benign"; Align-GVGD: "Not Available". The cysteine amino acid residue is found in multiple mammalian species, which suggests that this missense change does not adversely affect protein function. In summary, the available evidence is currently insufficient to determine the role of this variant in disease. Therefore, it has been classified as a Variant of Uncertain Significance.